The following is an entry in ClinVar:

ClinVar aggregate classification (germline): Pathogenic. Review status: criteria provided, multiple submitters, no conflicts (2 of 4 stars). 2 submissions from 2 submitters: Pathogenic (2). Last evaluated 2025-05-12.

Conditions:
Cardiovascular phenotype. Identifiers: MedGen CN230736.
Hereditary cancer-predisposing syndrome. Also called: Hereditary Cancer Syndrome; Neoplastic Syndromes, Hereditary; Tumor predisposition; Hereditary neoplastic syndrome. Identifiers: Orphanet 140162, MedGen C0027672, MeSH D009386, MONDO:0015356.

Submissions (2):

Ambry Genetics
Classification: Pathogenic for Cardiovascular phenotype; Hereditary cancer-predisposing syndrome. Last evaluated: 2025-05-12. Review status: criteria provided, single submitter. Criteria: Ambry Variant Classification Scheme 2023. Collection method: clinical testing. Allele origin: germline.
Comment: The c.2286delG pathogenic mutation, located in coding exon 19 of the LZTR1 gene, results from a deletion of one nucleotide at nucleotide position 2286, causing a translational frameshift with a predicted alternate stop codon (p.N763Tfs*4). This alteration is expected to result in loss of function by premature protein truncation or nonsense-mediated mRNA decay. Loss-of-function variants in LZTR1 are related to an increased risk for schwannomas and autosomal recessive Noonan syndrome; however, such associations with autosomal dominant Noonan syndrome have not been observed (Piotrowski A et al. Nat Genet. 2014 Feb;46:182-7; Yamamoto GL et al. J Med Genet. 2015 Jun;52:413-21; Johnston JJ et al. Genet Med. 2018 10;20:1175-1185). Based on the supporting evidence, this variant is pathogenic for an increased risk of LZTR1-related schwannomatosis (SWN) and would be expected to cause autosomal recessive Noonan syndrome when present along with a second pathogenic or likely pathogenic variant on the other allele; however, the association of this alteration with autosomal dominant Noonan syndrome is unlikely.

Labcorp Genetics (formerly Invitae), Labcorp
Classification: Pathogenic. Last evaluated: 2024-10-24. Review status: criteria provided, single submitter. Criteria: Invitae Variant Classification Sherloc (09022015). Collection method: clinical testing. Allele origin: germline.
Comment: This sequence change creates a premature translational stop signal (p.Asn763Thrfs*4) in the LZTR1 gene. It is expected to result in an absent or disrupted protein product. Loss-of-function variants in LZTR1 are known to be pathogenic (PMID: 24362817, 25335493, 25480913, 25795793, 29469822, 30368668, 30442762, 30442766, 30481304, 30859559). This variant is not present in population databases (gnomAD no frequency). This variant has not been reported in the literature in individuals affected with LZTR1-related conditions. ClinVar contains an entry for this variant (Variation ID: 2182769). For these reasons, this variant has been classified as Pathogenic.

Literature cited by the submitters: PubMed 24362817 (cited by Labcorp Genetics (formerly Invitae), Labcorp); PubMed 25335493 (cited by Labcorp Genetics (formerly Invitae), Labcorp); PubMed 25480913 (cited by Labcorp Genetics (formerly Invitae), Labcorp); PubMed 25795793 (cited by Labcorp Genetics (formerly Invitae), Labcorp); PubMed 29469822 (cited by Labcorp Genetics (formerly Invitae), Labcorp); PubMed 30368668 (cited by Labcorp Genetics (formerly Invitae), Labcorp); PubMed 30442762 (cited by Labcorp Genetics (formerly Invitae), Labcorp); PubMed 30442766 (cited by Labcorp Genetics (formerly Invitae), Labcorp); PubMed 30481304 (cited by Labcorp Genetics (formerly Invitae), Labcorp); PubMed 30859559 (cited by Labcorp Genetics (formerly Invitae), Labcorp).

NM_006767.4(LZTR1):c.2286del (p.Asn763fs)

Gene: LZTR1 (leucine zipper like post translational regulator 1; plus strand). Cytogenetic location: 22q11.21.
Variant type: Deletion.
Coding change: c.2286del on transcript NM_006767.4 (MANE Select); coding-DNA position 2286, one base deleted (G; older notation c.2286delG).
Protein change: p.Asn763fs; shifts the reading frame from asparagine 763.
Molecular consequence: frameshift variant.
Genome position (GRCh38, 1-based): chr22:20,996,762, G deleted. VCF-style (leftmost placement, unchanged base first): chr22-20996761-AG-A. GRCh37 (hg19) VCF-style: chr22-21351050-AG-A.
Other names: c.2286delG (NM_006767.3); short protein forms N763fs.
Identifiers: ClinVar variation 2182769 (VCV002182769.5), dbSNP rs2518625761, ClinGen allele CA2580099310.